The following is an entry in ClinVar:

NM_000016.6(ACADM):c.839C>G (p.Thr280Ser)

Gene: ACADM (acyl-CoA dehydrogenase medium chain; plus strand). Cytogenetic location: 1p31.1.
Variant type: single nucleotide variant.
Coding change: c.839C>G on transcript NM_000016.6 (MANE Select); coding-DNA position 839, C replaced by G.
Protein change: p.Thr280Ser; replaces threonine 280 with serine.
Molecular consequence: missense variant.
Genome position (GRCh38, 1-based): chr1:75,749,549, C>G. VCF-style: chr1-75749549-C-G. GRCh37 (hg19) VCF-style: chr1-76215234-C-G.
Other names: c.851C>G, p.Thr284Ser (NM_001127328.3); c.731C>G, p.Thr244Ser (NM_001286042.2); c.938C>G, p.Thr313Ser (NM_001286043.2); c.272C>G, p.Thr91Ser (NM_001286044.2); short protein forms T280S, T284S, T244S, T313S, T91S.
Identifiers: ClinVar variation 1996026 (VCV001996026.2), dbSNP rs2525648259, ClinGen allele CA340816820.

ClinVar aggregate classification (germline): Uncertain significance. Review status: criteria provided, single submitter (1 of 4 stars). 2 submissions from 2 submitters: Uncertain significance (1). 1 of the submissions does not count toward it. Last evaluated 2022-06-10.

Conditions:
Medium-chain acyl-coenzyme A dehydrogenase deficiency (ACADMD). Also called: Medium chain acyl-CoA dehydrogenase deficiency; MCADH DEFICIENCY; MCADD; ACADM DEFICIENCY; MCAD Deficiency; CARNITINE DEFICIENCY SECONDARY TO MEDIUM-CHAIN ACYL-CoA DEHYDROGENASE DEFICIENCY. Identifiers: Orphanet 42, MedGen C0220710, MONDO:0008721, OMIM 201450.

Submissions (2):

Labcorp Genetics (formerly Invitae), Labcorp
Classification: Uncertain significance for Medium-chain acyl-coenzyme A dehydrogenase deficiency. Last evaluated: 2022-06-10. Review status: criteria provided, single submitter. Criteria: Invitae Variant Classification Sherloc (09022015). Collection method: clinical testing. Allele origin: germline.
Comment: This sequence change replaces threonine, which is neutral and polar, with serine, which is neutral and polar, at codon 280 of the ACADM protein (p.Thr280Ser). This variant is not present in population databases (gnomAD no frequency). This variant has not been reported in the literature in individuals affected with ACADM-related conditions. Advanced modeling of protein sequence and biophysical properties (such as structural, functional, and spatial information, amino acid conservation, physicochemical variation, residue mobility, and thermodynamic stability) performed at Invitae indicates that this missense variant is expected to disrupt ACADM protein function. In summary, the available evidence is currently insufficient to determine the role of this variant in disease. Therefore, it has been classified as a Variant of Uncertain Significance.

Natera, Inc.
Classification: Uncertain significance for Medium Chain Acyl-CoA Dehydrogenase Deficiency. Last evaluated: 2025-03-24. Review status: no assertion criteria provided. Collection method: clinical testing. Allele origin: germline. Not counted in ClinVar's aggregate classification.